The following is an entry in ClinVar:

ClinVar aggregate classification (germline): not provided (0 of 4 stars; one submission).

Allele frequency attached by ClinVar (database versions not stated): gnomAD exomes 0.00001 and 0.00003; ExAC 0.00007; ESP Exome Variant Server 0.00008; gnomAD 0.00008 and 0.00009; TOPMed 0.00008.
gnomAD v4.1: 31 of 1,614,206 alleles (0.0019%); highest among the groups gnomAD compares: African/African-American, 0.023%; no homozygotes.

Submission:

Human Evolutionary Genetics, Institut Pasteur
No classification provided. Review status: no classification provided. Collection method: not provided. Allele origin: germline.
ClinVar note: Converted during submission from untested to not provided.

NM_001127255.2(NLRP7):c.516C>T (p.Tyr172=)

Gene: NLRP7 (NLR family pyrin domain containing 7; minus strand). Cytogenetic location: 19q13.42.
Variant type: single nucleotide variant.
Coding change: c.516C>T on transcript NM_001127255.2 (MANE Select); coding-DNA position 516, C replaced by T.
Protein change: p.Tyr172=; no amino-acid change (tyrosine 172 retained).
Molecular consequence: synonymous variant.
Genome position (GRCh38, 1-based): chr19:54,940,303, G>A on the plus strand (C>T on the coding strand, the complement: NLRP7 is on the minus strand). VCF-style: chr19-54940303-G-A. GRCh37 (hg19) VCF-style: chr19-55451671-G-A.
Other names: c.516C>T, p.Tyr172= (NM_001405531.1, NM_139176.4, NM_206828.4).
Identifiers: ClinVar variation 127262 (VCV000127262.4), dbSNP rs199475823, ClinGen allele CA230835.